The following is an entry in ClinVar:

ClinVar aggregate classification (germline): Uncertain significance (1 of 4 stars; one submission).

Allele frequency attached by ClinVar (database versions not stated): ExAC 0.00002; 1000 Genomes Project 30x 0.00016; 1000 Genomes Project 0.00020.
gnomAD v4.1: 40 of 1,613,282 alleles (0.0025%); highest among the groups gnomAD compares: Middle Eastern, 0.017%; no homozygotes.

Submission:

Women's Health and Genetics/Laboratory Corporation of America, LabCorp
Classification: Uncertain significance. Last evaluated: 2022-07-19. Review status: criteria provided, single submitter. Criteria: LabCorp Variant Classification Summary - May 2015. Collection method: clinical testing. Allele origin: germline.
Comment: Variant summary: TRPC3 c.1778A>G (p.Gln593Arg) results in a conservative amino acid change in the encoded protein sequence. Five of five in-silico tools predict a benign effect of the variant on protein function. The variant allele was found at a frequency of 1.6e-05 in 250908 control chromosomes (gnomAD). The available data on variant occurrences in the general population are insufficient to allow any conclusion about variant significance. To our knowledge, no occurrence of c.1778A>G in individuals affected with Spinocerebellar Ataxia Type 41 and no experimental evidence demonstrating its impact on protein function have been reported. No clinical diagnostic laboratories have submitted clinical-significance assessments for this variant to ClinVar after 2014. Based on the evidence outlined above, the variant was classified as uncertain significance.

NM_001130698.2(TRPC3):c.1778A>G (p.Gln593Arg)

Gene: TRPC3 (transient receptor potential cation channel subfamily C member 3; minus strand). Cytogenetic location: 4q27.
Variant type: single nucleotide variant.
Coding change: c.1778A>G on transcript NM_001130698.2 (MANE Select); coding-DNA position 1778, A replaced by G.
Protein change: p.Gln593Arg; replaces glutamine 593 with arginine.
Molecular consequence: missense variant.
Genome position (GRCh38, 1-based): chr4:121,910,168, T>C on the plus strand (A>G on the coding strand, the complement: TRPC3 is on the minus strand). VCF-style: chr4-121910168-T-C. GRCh37 (hg19) VCF-style: chr4-122831323-T-C.
Other names: c.1778A>G, p.Gln593Arg (NM_001366479.2); c.1559A>G, p.Gln520Arg (NM_003305.2); short protein forms Q520R, Q593R.
Identifiers: ClinVar variation 1704512 (VCV001704512.1), dbSNP rs200366233, ClinGen allele CA3064877.